The following is an entry in ClinVar:

NM_001173467.3(SP7):c.199C>T (p.Pro67Ser)

Gene: SP7 (Sp7 transcription factor; minus strand). Cytogenetic location: 12q13.13.
Variant type: single nucleotide variant.
Coding change: c.199C>T on transcript NM_001173467.3 (MANE Select); coding-DNA position 199, C replaced by T.
Protein change: p.Pro67Ser; replaces proline 67 with serine.
Molecular consequence: missense variant.
Genome position (GRCh38, 1-based): chr12:53,329,243, G>A on the plus strand (C>T on the coding strand, the complement: SP7 is on the minus strand). VCF-style: chr12-53329243-G-A. GRCh37 (hg19) VCF-style: chr12-53723027-G-A.
Other names: c.199C>T (NM_001173467.1); c.145C>T, p.Pro49Ser (NM_001300837.2); c.199C>T, p.Pro67Ser (NM_152860.2); short protein forms P67S, P49S.
Identifiers: ClinVar variation 1347108 (VCV001347108.6), dbSNP rs182659396, ClinGen allele CA6599598.

ClinVar aggregate classification (germline): Uncertain significance. Review status: criteria provided, multiple submitters, no conflicts (2 of 4 stars). 2 submissions from 2 submitters: Uncertain significance (2). Last evaluated 2025-08-03.

Allele frequency attached by ClinVar (database versions not stated): ExAC 0.00004; 1000 Genomes Project 30x 0.00078; 1000 Genomes Project 0.00080.
gnomAD v4.1: 58 of 1,613,812 alleles (0.0036%); highest among the groups gnomAD compares: Admixed American, 0.075%; no homozygotes.

Submissions (2):

Ambry Genetics
Classification: Uncertain significance. Last evaluated: 2025-08-03. Review status: criteria provided, single submitter. Criteria: Ambry Variant Classification Scheme 2023. Collection method: clinical testing. Allele origin: germline.

Labcorp Genetics (formerly Invitae), Labcorp
Classification: Uncertain significance. Last evaluated: 2022-10-25. Review status: criteria provided, single submitter. Criteria: Invitae Variant Classification Sherloc (09022015). Collection method: clinical testing. Allele origin: germline.
Comment: This sequence change replaces proline, which is neutral and non-polar, with serine, which is neutral and polar, at codon 67 of the SP7 protein (p.Pro67Ser). This variant is present in population databases (rs182659396, gnomAD 0.01%). This variant has not been reported in the literature in individuals affected with SP7-related conditions. ClinVar contains an entry for this variant (Variation ID: 1347108). Algorithms developed to predict the effect of missense changes on protein structure and function (SIFT, PolyPhen-2, Align-GVGD) all suggest that this variant is likely to be tolerated. In summary, the available evidence is currently insufficient to determine the role of this variant in disease. Therefore, it has been classified as a Variant of Uncertain Significance.